The following is an entry in ClinVar:

NM_004958.4(MTOR):c.7307C>A (p.Thr2436Asn)

Gene: MTOR (mechanistic target of rapamycin kinase; minus strand). Cytogenetic location: 1p36.22.
Variant type: single nucleotide variant.
Coding change: c.7307C>A on transcript NM_004958.4 (MANE Select); coding-DNA position 7307, C replaced by A.
Protein change: p.Thr2436Asn; replaces threonine 2436 with asparagine.
Molecular consequence: missense variant.
Genome position (GRCh38, 1-based): chr1:11,112,911, G>T on the plus strand (C>A on the coding strand, the complement: MTOR is on the minus strand). VCF-style: chr1-11112911-G-T. GRCh37 (hg19) VCF-style: chr1-11172968-G-T.
Other names: c.7307C>A, p.Thr2436Asn (NM_001386500.1); c.6059C>A, p.Thr2020Asn (NM_001386501.1); short protein forms T2436N, T2020N.
Identifiers: ClinVar variation 2720766 (VCV002720766.3), dbSNP rs774670579, ClinGen allele CA588876.

ClinVar aggregate classification (germline): Uncertain significance (1 of 4 stars; one submission).

Allele frequency attached by ClinVar (database versions not stated): ExAC 0.00001.
gnomAD v4.1: 2 of 1,614,100 alleles (0.00012%); highest among the groups gnomAD compares: Non-Finnish European, 0.00017%; no homozygotes.

Submission:

Labcorp Genetics (formerly Invitae), Labcorp
Classification: Uncertain significance. Last evaluated: 2023-09-15. Review status: criteria provided, single submitter. Criteria: Invitae Variant Classification Sherloc (09022015). Collection method: clinical testing. Allele origin: germline.
Comment: In summary, the available evidence is currently insufficient to determine the role of this variant in disease. Therefore, it has been classified as a Variant of Uncertain Significance. Advanced modeling of protein sequence and biophysical properties (such as structural, functional, and spatial information, amino acid conservation, physicochemical variation, residue mobility, and thermodynamic stability) performed at Invitae indicates that this missense variant is not expected to disrupt MTOR protein function. This variant has not been reported in the literature in individuals affected with MTOR-related conditions. This variant is present in population databases (rs774670579, gnomAD 0.002%). This sequence change replaces threonine, which is neutral and polar, with asparagine, which is neutral and polar, at codon 2436 of the MTOR protein (p.Thr2436Asn).